The following is an entry in ClinVar:

ClinVar aggregate classification (germline): Likely benign. Review status: criteria provided, multiple submitters, no conflicts (2 of 4 stars). 5 submissions from 5 submitters: Likely benign (4). 1 of the submissions does not count toward it. Last evaluated 2026-01-31.

Conditions:
Chédiak-Higashi syndrome (CHS). Also called: Chediak-Higashi Syndrome. Identifiers: Orphanet 167, MedGen C0007965, MONDO:0008963, OMIM 214500.
LYST-related disorder. Also called: LYST-related condition.

Allele frequency attached by ClinVar (database versions not stated): gnomAD 0.00005; gnomAD exomes 0.00005; TOPMed 0.00008; ExAC 0.00011.
gnomAD v4.1: 87 of 1,613,296 alleles (0.0054%); highest among the groups gnomAD compares: East Asian, 0.027%; no homozygotes.

Submissions (5):

Labcorp Genetics (formerly Invitae), Labcorp
Classification: Likely benign for Chédiak-Higashi syndrome. Last evaluated: 2026-01-31. Review status: criteria provided, single submitter. Criteria: Invitae Variant Classification Sherloc (09022015). Collection method: clinical testing. Allele origin: germline.

Mayo Clinic Laboratories, Mayo Clinic
Classification: Likely benign. Last evaluated: 2025-08-28. Review status: criteria provided, single submitter. Criteria: ACMG Guidelines, 2015. Collection method: clinical testing. Allele origin: germline. Observed: 1 variant allele.
Comment: BP4, BP7

Blueprint Genetics
Classification: Likely benign. Last evaluated: 2024-11-06. Review status: criteria provided, single submitter. Criteria: ACMG Guidelines, 2015. Collection method: clinical testing. Allele origin: germline.

CeGaT Center for Human Genetics Tuebingen
Classification: Likely benign. Last evaluated: 2023-07-01. Review status: criteria provided, single submitter. Criteria: CeGaT Center For Human Genetics Tuebingen Variant Classification Criteria Version 2. Collection method: clinical testing. Allele origin: germline. Affected: yes. Observed: 1 variant allele.
Comment: LYST: BP4, BP7

PreventionGenetics, part of Exact Sciences
Classification: Likely benign for LYST-related condition. Last evaluated: 2019-06-06. Review status: no assertion criteria provided. Collection method: clinical testing. Allele origin: germline. Not counted in ClinVar's aggregate classification.
Comment: This variant is classified as likely benign based on ACMG/AMP sequence variant interpretation guidelines (Richards et al. 2015 PMID: 25741868, with internal and published modifications).

NM_000081.4(LYST):c.42C>T (p.Thr14=)

Gene: LYST (lysosomal trafficking regulator; minus strand). Cytogenetic location: 1q42.3.
Variant type: single nucleotide variant.
Coding change: c.42C>T on transcript NM_000081.4 (MANE Select); coding-DNA position 42, C replaced by T.
Protein change: p.Thr14=; no amino-acid change (threonine 14 retained).
Molecular consequence: synonymous variant. On other transcripts: non-coding transcript variant (1).
Genome position (GRCh38, 1-based): chr1:235,830,376, G>A on the plus strand (C>T on the coding strand, the complement: LYST is on the minus strand). VCF-style: chr1-235830376-G-A. GRCh37 (hg19) VCF-style: chr1-235993676-G-A.
Other names: p.Thr14=; c.42C>T, p.Thr14= (NM_001301365.1); c.42C>T (NM_000081.3).
Identifiers: ClinVar variation 1129773 (VCV001129773.35), dbSNP rs769561565, ClinGen allele CA1467751.
Genomic context (GRCh38, chr1:235,830,376, plus strand): 5'-CTCTTCTTCCTCCCTGGCCTCCACCCTCTGGACCACTGCATTGCAAAGCCGGTTGACATC[G>A]GTCAGAAATTCACGTGCCAGTGAGTTACTGTCGGTGCTCATGACCGAGCTATAAAATAAG-3'
Protein context (NP_000072.2, residues 4-24): DSNSLAREFL[Thr14=]DVNRLCNAVV